The following is an entry in ClinVar:

ClinVar aggregate classification (germline): Benign/Likely benign. Review status: criteria provided, multiple submitters, no conflicts (2 of 4 stars). 3 submissions from 3 submitters: Benign (1); Likely benign (2). Last evaluated 2025-06-28.

Conditions:
Hereditary cancer-predisposing syndrome. Also called: Neoplastic Syndromes, Hereditary; Tumor predisposition; Hereditary Cancer Syndrome; Hereditary neoplastic syndrome. Identifiers: Orphanet 140162, MedGen C0027672, MeSH D009386, MONDO:0015356.
BAP1-related tumor predisposition syndrome (TPDS1). Also called: Tumor susceptibility linked to germline BAP1 mutations; COMMON Syndrome; TUMOR PREDISPOSITION SYNDROME 1; BAP1 tumor predisposition syndrome. Identifiers: Orphanet 289539, MedGen C3280492, MONDO:0013692, OMIM 614327.

Submissions (3):

Ambry Genetics
Classification: Likely benign for Hereditary cancer-predisposing syndrome. Last evaluated: 2025-06-28. Review status: criteria provided, single submitter. Criteria: Ambry Variant Classification Scheme 2023. Collection method: clinical testing. Allele origin: germline.

Myriad Genetics, Inc.
Classification: Benign for BAP1-related tumor predisposition syndrome. Last evaluated: 2024-07-15. Review status: criteria provided, single submitter. Criteria: Myriad Autosomal Dominant, Autosomal Recessive and X-Linked Classification Criteria (2023). Collection method: clinical testing. Allele origin: unknown.
Comment: This variant is considered benign. This variant is a silent/synonymous amino acid change and it is not expected to impact splicing.

Labcorp Genetics (formerly Invitae), Labcorp
Classification: Likely benign for BAP1-related tumor predisposition syndrome. Last evaluated: 2022-11-22. Review status: criteria provided, single submitter. Criteria: Invitae Variant Classification Sherloc (09022015). Collection method: clinical testing. Allele origin: germline.

NM_004656.4(BAP1):c.790A>C (p.Arg264=)

Gene: BAP1 (BRCA1 associated deubiquitinase 1; minus strand). Cytogenetic location: 3p21.1.
Variant type: single nucleotide variant.
Coding change: c.790A>C on transcript NM_004656.4 (MANE Select); coding-DNA position 790, A replaced by C.
Protein change: p.Arg264=; no amino-acid change (arginine 264 retained).
Molecular consequence: synonymous variant.
Genome position (GRCh38, 1-based): chr3:52,405,906, T>G on the plus strand (A>C on the coding strand, the complement: BAP1 is on the minus strand). VCF-style: chr3-52405906-T-G. GRCh37 (hg19) VCF-style: chr3-52439922-T-G.
Other names: c.736A>C, p.Arg246= (NM_001410772.1).
Identifiers: ClinVar variation 2815564 (VCV002815564.5), dbSNP rs2153227287, ClinGen allele CA433775828.